The following is an entry in ClinVar:

ClinVar aggregate classification (germline): Uncertain significance (1 of 4 stars; one submission).

Conditions:
RASopathy. Also called: Noonan spectrum disorder; rasopathies. Identifiers: Orphanet 536391, MedGen C5555857, MONDO:0021060.

Submission:

Labcorp Genetics (formerly Invitae), Labcorp
Classification: Uncertain significance for RASopathy. Last evaluated: 2024-10-03. Review status: criteria provided, single submitter. Criteria: Invitae Variant Classification Sherloc (09022015). Collection method: clinical testing. Allele origin: germline.
Comment: This sequence change replaces lysine, which is basic and polar, with glutamine, which is neutral and polar, at codon 382 of the CBL protein (p.Lys382Gln). This variant is not present in population databases (gnomAD no frequency). This variant has not been reported in the literature in individuals affected with CBL-related conditions. Invitae Evidence Modeling of protein sequence and biophysical properties (such as structural, functional, and spatial information, amino acid conservation, physicochemical variation, residue mobility, and thermodynamic stability) indicates that this missense variant is expected to disrupt CBL protein function with a positive predictive value of 95%. In summary, the available evidence is currently insufficient to determine the role of this variant in disease. Therefore, it has been classified as a Variant of Uncertain Significance.

NM_005188.4(CBL):c.1144A>C (p.Lys382Gln)

Gene: CBL (Cbl proto-oncogene; plus strand). Cytogenetic location: 11q23.3.
Variant type: single nucleotide variant.
Coding change: c.1144A>C on transcript NM_005188.4 (MANE Select); coding-DNA position 1144, A replaced by C.
Protein change: p.Lys382Gln; replaces lysine 382 with glutamine.
Molecular consequence: missense variant.
Genome position (GRCh38, 1-based): chr11:119,278,214, A>C. VCF-style: chr11-119278214-A-C. GRCh37 (hg19) VCF-style: chr11-119148924-A-C.
Other names: short protein forms K382Q.
Identifiers: ClinVar variation 3689520 (VCV003689520.2).